The following is an entry in ClinVar:

NM_000245.4(MET):c.1430T>G (p.Val477Gly)

Gene: MET (MET proto-oncogene, receptor tyrosine kinase; plus strand). Cytogenetic location: 7q31.2.
Variant type: single nucleotide variant.
Coding change: c.1430T>G on transcript NM_000245.4 (MANE Select); coding-DNA position 1430, T replaced by G.
Protein change: p.Val477Gly; replaces valine 477 with glycine.
Molecular consequence: missense variant.
Genome position (GRCh38, 1-based): chr7:116,739,987, T>G. VCF-style: chr7-116739987-T-G. GRCh37 (hg19) VCF-style: chr7-116380041-T-G.
Other names: c.1430T>G, p.Val477Gly (NM_001127500.3, NM_001324401.3); c.140T>G, p.Val47Gly (NM_001324402.2); short protein forms V477G, V47G.
Identifiers: ClinVar variation 2818075 (VCV002818075.4), dbSNP rs1197127761, ClinGen allele CA368974076.

ClinVar aggregate classification (germline): Uncertain significance. Review status: criteria provided, multiple submitters, no conflicts (2 of 4 stars). 2 submissions from 2 submitters: Uncertain significance (2). Last evaluated 2024-12-03.

Conditions:
Renal cell carcinoma. Identifiers: Orphanet 217071, MedGen C0007134, MeSH D002292, MONDO:0005086, HP:0005584.
Hereditary cancer-predisposing syndrome. Also called: Neoplastic Syndromes, Hereditary; Tumor predisposition; Hereditary Cancer Syndrome; Hereditary neoplastic syndrome. Identifiers: Orphanet 140162, MedGen C0027672, MeSH D009386, MONDO:0015356.

Submissions (2):

Ambry Genetics
Classification: Uncertain significance for Hereditary cancer-predisposing syndrome. Last evaluated: 2024-12-03. Review status: criteria provided, single submitter. Criteria: Ambry Variant Classification Scheme 2023. Collection method: clinical testing. Allele origin: germline.

Labcorp Genetics (formerly Invitae), Labcorp
Classification: Uncertain significance for Renal cell carcinoma. Last evaluated: 2022-12-02. Review status: criteria provided, single submitter. Criteria: Invitae Variant Classification Sherloc (09022015). Collection method: clinical testing. Allele origin: germline.
Comment: In summary, the available evidence is currently insufficient to determine the role of this variant in disease. Therefore, it has been classified as a Variant of Uncertain Significance. Advanced modeling of protein sequence and biophysical properties (such as structural, functional, and spatial information, amino acid conservation, physicochemical variation, residue mobility, and thermodynamic stability) performed at Invitae indicates that this missense variant is expected to disrupt MET protein function. This variant has not been reported in the literature in individuals affected with MET-related conditions. This variant is not present in population databases (gnomAD no frequency). This sequence change replaces valine, which is neutral and non-polar, with glycine, which is neutral and non-polar, at codon 477 of the MET protein (p.Val477Gly).